The following is an entry in ClinVar:

NM_206926.2(SELENON):c.436G>A (p.Val146Ile)

Gene: SELENON (selenoprotein N; plus strand). Cytogenetic location: 1p36.11.
Variant type: single nucleotide variant.
Coding change: c.436G>A on transcript NM_206926.2 (MANE Select); coding-DNA position 436, G replaced by A.
Protein change: p.Val146Ile; replaces valine 146 with isoleucine.
Molecular consequence: missense variant.
Genome position (GRCh38, 1-based): chr1:25,808,580, G>A. VCF-style: chr1-25808580-G-A. GRCh37 (hg19) VCF-style: chr1-26135071-G-A.
Other names: c.538G>A, p.Val180Ile (NM_020451.3); short protein forms V146I, V180I.
Identifiers: ClinVar variation 1422311 (VCV001422311.8), dbSNP rs751053087, ClinGen allele CA339111344.

ClinVar aggregate classification (germline): Uncertain significance (1 of 4 stars; one submission).

Conditions:
Eichsfeld type congenital muscular dystrophy (CMYO3). Also called: MYOPATHY, SEPN1-RELATED; SELENON-related myopathy; Congenital myopathy 3 with rigid spine; Rigid spine muscular dystrophy 1. Identifiers: MedGen C0410180, MONDO:0100100, OMIM 602771.

gnomAD v4.1: 1 of 1,613,360 alleles (0.000062%); highest among the groups gnomAD compares: Middle Eastern, 0.017%; no homozygotes.

Submission:

Labcorp Genetics (formerly Invitae), Labcorp
Classification: Uncertain significance for Eichsfeld type congenital muscular dystrophy. Last evaluated: 2022-10-17. Review status: criteria provided, single submitter. Criteria: Invitae Variant Classification Sherloc (09022015). Collection method: clinical testing. Allele origin: germline.
Comment: In summary, the available evidence is currently insufficient to determine the role of this variant in disease. Therefore, it has been classified as a Variant of Uncertain Significance. Algorithms developed to predict the effect of missense changes on protein structure and function (SIFT, PolyPhen-2, Align-GVGD) all suggest that this variant is likely to be tolerated. ClinVar contains an entry for this variant (Variation ID: 1422311). This variant has not been reported in the literature in individuals affected with SELENON-related conditions. This variant is not present in population databases (gnomAD no frequency). This sequence change replaces valine, which is neutral and non-polar, with isoleucine, which is neutral and non-polar, at codon 180 of the SELENON protein (p.Val180Ile).